The following is an entry in ClinVar:

ClinVar aggregate classification (germline): Uncertain significance (1 of 4 stars; one submission).

Submission:

Labcorp Genetics (formerly Invitae), Labcorp
Classification: Uncertain significance. Last evaluated: 2023-06-05. Review status: criteria provided, single submitter. Criteria: Invitae Variant Classification Sherloc (09022015). Collection method: clinical testing. Allele origin: germline.
Comment: This sequence change replaces aspartic acid, which is acidic and polar, with tyrosine, which is neutral and polar, at codon 33 of the GABRA2 protein (p.Asp33Tyr). In summary, the available evidence is currently insufficient to determine the role of this variant in disease. Therefore, it has been classified as a Variant of Uncertain Significance. An algorithm developed to predict the effect of missense changes on protein structure and function (PolyPhen-2) suggests that this variant is likely to be disruptive. This variant has not been reported in the literature in individuals affected with GABRA2-related conditions. This variant is not present in population databases (gnomAD no frequency).

NM_000807.4(GABRA2):c.97G>T (p.Asp33Tyr)

Gene: GABRA2 (gamma-aminobutyric acid type A receptor subunit alpha2; minus strand). Cytogenetic location: 4p12.
Variant type: single nucleotide variant.
Coding change: c.97G>T on transcript NM_000807.4 (MANE Select); coding-DNA position 97, G replaced by T.
Protein change: p.Asp33Tyr; replaces aspartic acid 33 with tyrosine.
Molecular consequence: missense variant. On other transcripts: 5 prime UTR variant (4).
Genome position (GRCh38, 1-based): chr4:46,386,164, C>A on the plus strand (G>T on the coding strand, the complement: GABRA2 is on the minus strand). VCF-style: chr4-46386164-C-A. GRCh37 (hg19) VCF-style: chr4-46388181-C-A.
Other names: c.97G>T, p.Asp33Tyr (NM_001114175.3, NM_001330690.2, NM_001377144.1 and 8 more transcripts); c.-1G>T (NM_001286827.3, NM_001377152.1, NM_001377153.1 and 1 more transcripts); short protein forms D33Y.
Identifiers: ClinVar variation 2769783 (VCV002769783.3), dbSNP rs2476214294, ClinGen allele CA356803116.
Genomic context (GRCh38, chr4:46,386,164, plus strand): 5'-AACCATCCAGAAGTCTGTCAAGAATTCTCGTAAAGATGGTAATGTTATTTTTAGCCTCAT[C>A]TTCTTGGATGTTAGCCAGCACCAACCTAAACAGATAATTTTAAAAGCTGATATATATACA-3'
Protein context (NP_000798.2, residues 23-43): ARLVLANIQE[Asp33Tyr]EAKNNITIFT